The following is an entry in ClinVar:

ClinVar aggregate classification (germline): Uncertain significance (1 of 4 stars; one submission).

Conditions:
Hereditary cancer-predisposing syndrome. Also called: Neoplastic Syndromes, Hereditary; Tumor predisposition; Hereditary Cancer Syndrome; Hereditary neoplastic syndrome. Identifiers: Orphanet 140162, MedGen C0027672, MeSH D009386, MONDO:0015356.

Submission:

Ambry Genetics
Classification: Uncertain significance for Hereditary cancer-predisposing syndrome. Last evaluated: 2015-03-15. Review status: criteria provided, single submitter. Criteria: Ambry Variant Classification Scheme 2023. Collection method: clinical testing. Allele origin: germline.
Comment: The p.K464E variant (also known as c.1390A>G), located in coding exon 12 of the MRE11A gene, results from an A to G substitution at nucleotide position 1390. The lysine at codon 464 is replaced by glutamic acid, an amino acid with similar properties. This variant was not reported in population based cohorts in the following databases: Database of Single Nucleotide Polymorphisms (dbSNP), NHLBI Exome Sequencing Project (ESP), and 1000 Genomes Project. In the ESP, this variant was not observed in 6499 samples (12998 alleles) with coverage at this position. To date, this alteration has been detected with an allele frequency of approximately 0.003% (greater than 40000 alleles tested) in our clinical cohort. This amino acid position is highly conserved in available vertebrate species, although glutamic acid is the reference allele in bushbaby. In addition, the in silico prediction for this alteration is inconclusive. Since supporting evidence is limited at this time, the clinical significance of this variant remains unclear.

NM_005591.4(MRE11):c.1390A>G (p.Lys464Glu)

Gene: MRE11 (MRE11 double strand break repair nuclease; minus strand). Cytogenetic location: 11q21.
Variant type: single nucleotide variant.
Coding change: c.1390A>G on transcript NM_005591.4 (MANE Select); coding-DNA position 1390, A replaced by G.
Protein change: p.Lys464Glu; replaces lysine 464 with glutamic acid.
Molecular consequence: missense variant.
Genome position (GRCh38, 1-based): chr11:94,459,518, T>C on the plus strand (A>G on the coding strand, the complement: MRE11 is on the minus strand). VCF-style: chr11-94459518-T-C. GRCh37 (hg19) VCF-style: chr11-94192684-T-C.
Other names: c.1390A>G, p.Lys464Glu (NM_001330347.2, NM_005590.4); short protein forms K464E.
Identifiers: ClinVar variation 230872 (VCV000230872.5), dbSNP rs876658819, ClinGen allele CA10579377.